The following is an entry in ClinVar:

NM_000059.4(BRCA2):c.2688T>C (p.Asn896=)

Gene: BRCA2 (BRCA2 DNA repair associated; plus strand). Cytogenetic location: 13q13.1.
Variant type: single nucleotide variant.
Coding change: c.2688T>C on transcript NM_000059.4 (MANE Select); coding-DNA position 2688, T replaced by C.
Protein change: p.Asn896=; no amino-acid change (asparagine 896 retained).
Molecular consequence: synonymous variant.
Genome position (GRCh38, 1-based): chr13:32,337,043, T>C. VCF-style: chr13-32337043-T-C. GRCh37 (hg19) VCF-style: chr13-32911180-T-C.
Identifiers: ClinVar variation 415680 (VCV000415680.14), dbSNP rs769652613, ClinGen allele CA6940623.

ClinVar aggregate classification (germline): Likely benign. Review status: reviewed by expert panel (3 of 4 stars). 4 submissions from 4 submitters: Likely benign (1). 3 of the submissions do not count toward it. Last evaluated 2017-06-29.

Conditions:
BRCA2-related cancer predisposition. Identifiers: MedGen CN377758, MONDO:0700269.
Hereditary cancer-predisposing syndrome. Also called: Tumor predisposition; Neoplastic Syndromes, Hereditary; Hereditary Cancer Syndrome; Hereditary neoplastic syndrome. Identifiers: Orphanet 140162, MedGen C0027672, MeSH D009386, MONDO:0015356.
Hereditary breast ovarian cancer syndrome. Also called: Hereditary breast and ovarian cancer; Hereditary breast and ovarian cancer syndrome (HBOC); Hereditary breast and/or ovarian cancer syndrome; Breast and ovarian cancer; Hereditary breast and ovarian cancer syndrome; BRCA1- and BRCA2-Associated Hereditary Breast and Ovarian Cancer. Identifiers: Orphanet 145, MedGen C0677776, MeSH D061325, MONDO:0003582. Disease mechanism: loss of function.
Breast-ovarian cancer, familial, susceptibility to, 2 (BROVCA2). Also called: BRCA2 Hereditary Breast and Ovarian Cancer. Identifiers: Orphanet 145, MedGen C2675520, MONDO:0012933, OMIM 612555. Disease mechanism: loss of function.

Allele frequency attached by ClinVar (database versions not stated): gnomAD exomes below 0.00001; ExAC 0.00001.
gnomAD v4.1: 3 of 1,600,362 alleles (0.00019%); highest among the groups gnomAD compares: Non-Finnish European, 0.00026%; no homozygotes.

Submissions (4):

Evidence-based Network for the Interpretation of Germline Mutant Alleles (ENIGMA)
Classification: Likely benign for Breast-ovarian cancer, familial, susceptibility to, 2. Last evaluated: 2017-06-29. Review status: reviewed by expert panel. Criteria: ENIGMA BRCA1/2 Classification Criteria (2017-06-29). Collection method: curation. Allele origin: germline.
Comment: Synonymous substitution variant, with low bioinformatic likelihood to result in a splicing aberration (Splicing prior probability 0.02).

Ambry Genetics
Classification: Likely benign for Hereditary cancer-predisposing syndrome. Last evaluated: 2025-04-25. Review status: criteria provided, single submitter. Criteria: Ambry Variant Classification Scheme 2023. Collection method: clinical testing. Allele origin: germline. Not counted in ClinVar's aggregate classification.

All of Us Research Program, National Institutes of Health
Classification: Likely benign for BRCA2-related cancer predisposition. Last evaluated: 2024-04-16. Review status: criteria provided, single submitter. Criteria: ACMG Guidelines, 2015. Collection method: clinical testing. Allele origin: germline. Inheritance: Autosomal dominant inheritance. Observed: 1 variant allele, 1 heterozygote. Not counted in ClinVar's aggregate classification.
Comment: This study involves interpretation of variants in research participants for the purpose of population health screening. Participant phenotype was not available at the time of variant classification. Additional details can be found in publication PMID: 35346344, PMCID: PMC8962531

Labcorp Genetics (formerly Invitae), Labcorp
Classification: Likely benign for Hereditary breast ovarian cancer syndrome. Last evaluated: 2016-10-21. Review status: criteria provided, single submitter. Criteria: Invitae Variant Classification Sherloc (09022015). Collection method: clinical testing. Allele origin: germline. Not counted in ClinVar's aggregate classification.